The following is an entry in ClinVar:

NM_001374828.1(ARID1B):c.1325G>A (p.Gly442Glu)

Gene: ARID1B (AT-rich interaction domain 1B; plus strand). Cytogenetic location: 6q25.3.
Variant type: single nucleotide variant.
Coding change: c.1325G>A on transcript NM_001374828.1 (MANE Select); coding-DNA position 1325, G replaced by A.
Protein change: p.Gly442Glu; replaces glycine 442 with glutamic acid.
Molecular consequence: missense variant.
Genome position (GRCh38, 1-based): chr6:156,779,005, G>A. VCF-style: chr6-156779005-G-A. GRCh37 (hg19) VCF-style: chr6-157100139-G-A.
Other names: c.1325G>A, p.Gly442Glu (NM_001371656.1, NM_001374820.1, NM_017519.3); c.1076G>A (NM_020732.3); short protein forms G442E.
Identifiers: ClinVar variation 1311920 (VCV001311920.8), dbSNP rs2114993240, ClinGen allele CA366383995.

ClinVar aggregate classification (germline): Uncertain significance. Review status: criteria provided, multiple submitters, no conflicts (2 of 4 stars). 2 submissions from 2 submitters: Uncertain significance (2). Last evaluated 2022-07-12.

Submissions (2):

Labcorp Genetics (formerly Invitae), Labcorp
Classification: Uncertain significance. Last evaluated: 2022-07-12. Review status: criteria provided, single submitter. Criteria: Invitae Variant Classification Sherloc (09022015). Collection method: clinical testing. Allele origin: germline.
Comment: This variant has not been reported in the literature in individuals affected with ARID1B-related conditions. In summary, the available evidence is currently insufficient to determine the role of this variant in disease. Therefore, it has been classified as a Variant of Uncertain Significance. Algorithms developed to predict the effect of missense changes on protein structure and function are either unavailable or do not agree on the potential impact of this missense change (SIFT: "Deleterious"; PolyPhen-2: "Not Available"; Align-GVGD: "Class C0"). ClinVar contains an entry for this variant (Variation ID: 1311920). The frequency data for this variant in the population databases is considered unreliable, as metrics indicate insufficient coverage at this position in the gnomAD database. This sequence change replaces glycine, which is neutral and non-polar, with glutamic acid, which is acidic and polar, at codon 359 of the ARID1B protein (p.Gly359Glu).

GeneDx
Classification: Uncertain significance. Last evaluated: 2022-03-17. Review status: criteria provided, single submitter. Criteria: GeneDx Variant Classification Process June 2021. Collection method: clinical testing. Allele origin: germline. Affected: yes.
Comment: Not observed in large population cohorts (gnomAD); In silico analysis, which includes protein predictors and evolutionary conservation, supports that this variant does not alter protein structure/function; Has not been previously published as pathogenic or benign to our knowledge